The following is an entry in ClinVar:

ClinVar aggregate classification (germline): Uncertain significance (1 of 4 stars; one submission).

Conditions:
POLD1-related polyposis and colorectal cancer syndrome (CRCS10). Also called: Colorectal cancer 10; Colorectal cancer, susceptibility to, 10; COLORECTAL CANCER, SUSCEPTIBILITY TO, ON CHROMOSOME 19q. Identifiers: Orphanet 220460, MedGen C2675481, MONDO:0012953, OMIM 612591.

Submission:

Labcorp Genetics (formerly Invitae), Labcorp
Classification: Uncertain significance for POLD1-related polyposis and colorectal cancer syndrome. Last evaluated: 2023-11-10. Review status: criteria provided, single submitter. Criteria: Invitae Variant Classification Sherloc (09022015). Collection method: clinical testing. Allele origin: germline.
Comment: This sequence change falls in intron 8 of the POLD1 gene. It does not directly change the encoded amino acid sequence of the POLD1 protein. Information on the frequency of this variant in the gnomAD database is not available, as this variant may be reported differently in the database. This variant has not been reported in the literature in individuals affected with POLD1-related conditions. Experimental studies and prediction algorithms are not available or were not evaluated, and the effect of this variant on mRNA splicing is currently unknown. In summary, the available evidence is currently insufficient to determine the role of this variant in disease. Therefore, it has been classified as a Variant of Uncertain Significance.

NM_002691.4(POLD1):c.971-19_971-18delinsCT

Gene: POLD1 (DNA polymerase delta 1, catalytic subunit; plus strand). Cytogenetic location: 19q13.33.
Variant type: Indel.
Coding change: c.971-19_971-18delinsCT on transcript NM_002691.4 (MANE Select); 19 bases into the intron before coding-DNA position 971 through 18 bases into the intron before coding-DNA position 971, GC replaced by CT.
Molecular consequence: intron variant.
Genome position (GRCh38, 1-based): chr19:50,403,034-50,403,035, GC replaced by CT. VCF-style: chr19-50403034-GC-CT. GRCh37 (hg19) VCF-style: chr19-50906291-GC-CT.
Other names: c.971-19_971-18delinsCT (NM_001256849.1, NM_001308632.1).
Identifiers: ClinVar variation 2694688 (VCV002694688.3), dbSNP rs2513972500, ClinGen allele CA2697556672.
Genomic context (GRCh38, chr19:50,403,034, plus strand): 5'-GGAGATGGCAGGTGCAGCCTCCCTGCTGTGTTGGGAGTGAGGGGCAGGAGTCAGGCCCCT[GC>CT]ATCCTCCTGCCTCGCAGGCATCTTCCCTGAGCCTGAGCGGGACCCTGTCATCCAGATCTG-3'